The following is an entry in ClinVar:

ClinVar aggregate classification (germline): Benign (1 of 4 stars; one submission).

Conditions:
Peroxisome biogenesis disorder 10A (Zellweger). Also called: Peroxisome biogenesis disorder 10A. Identifiers: Orphanet 912, MedGen C3553999, MONDO:0013948, OMIM 614882.

Allele frequency attached by ClinVar (database versions not stated): 1000 Genomes Project 30x 0.12320; 1000 Genomes Project 0.12899; TOPMed 0.14309; gnomAD 0.15859 and 0.16012.

Submission:

Illumina Laboratory Services, Illumina
Classification: Benign for Peroxisome biogenesis disorder 10A (Zellweger). Last evaluated: 2018-01-13. Review status: criteria provided, single submitter. Criteria: ICSL Variant Classification Criteria 13 December 2019. Collection method: clinical testing. Allele origin: germline.
Comment: This variant was observed in the ICSL laboratory as part of a predisposition screen in an ostensibly healthy population. It had not been previously curated by ICSL or reported in the Human Gene Mutation Database (HGMD: prior to June 1st, 2018), and was therefore a candidate for classification through an automated scoring system. Utilizing variant allele frequency, disease prevalence and penetrance estimates, and inheritance mode, an automated score was calculated to assess if this variant is too frequent to cause the disease. Based on the score and internal cut-off values, a variant classified as benign is not then subjected to further curation. The score for this variant resulted in a classification of benign for this disease.

NM_003630.3(PEX3):c.*546A>G

Gene: PEX3 (peroxisomal biogenesis factor 3; plus strand). Cytogenetic location: 6q24.2.
Variant type: single nucleotide variant.
Coding change: c.*546A>G on transcript NM_003630.3 (MANE Select); 546 bases downstream of the stop codon, A replaced by G.
Molecular consequence: 3 prime UTR variant.
Genome position (GRCh38, 1-based): chr6:143,489,772, A>G. VCF-style: chr6-143489772-A-G. GRCh37 (hg19) VCF-style: chr6-143810909-A-G.
Identifiers: ClinVar variation 355585 (VCV000355585.5), dbSNP rs10809, ClinGen allele CA10625918.